The following is an entry in ClinVar:

NM_001482.3(GATM):c.*715T>C

Gene: GATM (glycine amidinotransferase; minus strand). Cytogenetic location: 15q21.1.
Variant type: single nucleotide variant.
Coding change: c.*715T>C on transcript NM_001482.3 (MANE Select); 715 bases downstream of the stop codon, T replaced by C.
Molecular consequence: 3 prime UTR variant.
Genome position (GRCh38, 1-based): chr15:45,361,394, A>G on the plus strand (T>C on the coding strand, the complement: GATM is on the minus strand). VCF-style: chr15-45361394-A-G. GRCh37 (hg19) VCF-style: chr15-45653592-A-G.
Other names: c.*715T>C (NM_001321015.2).
Identifiers: ClinVar variation 316204 (VCV000316204.6), dbSNP rs1049508, ClinGen allele CA10642023.

ClinVar aggregate classification (germline): Benign. Review status: criteria provided, multiple submitters, no conflicts (2 of 4 stars). 2 submissions from 2 submitters: Benign (2). Last evaluated 2018-01-12.

Conditions:
Arginine:glycine amidinotransferase deficiency (CCDS3). Also called: Creatine deficiency syndrome due to AGAT deficiency; GATM deficiency; Cerebral creatine deficiency syndrome 3; L-Arginine:Glycine Amidinotransferase (AGAT) Deficiency; AGAT deficiency; L-Arginine:Glycine Amidinotransferase Deficiency. Identifiers: Orphanet 35704, MedGen C2675179, MONDO:0012996, OMIM 612718.

Allele frequency attached by ClinVar (database versions not stated): gnomAD exomes 0.16667; gnomAD 0.46090 and 0.46214; TOPMed 0.49634; 1000 Genomes Project 0.61781.
gnomAD v4.1: 69,916 of 151,928 alleles (46%); highest among the groups gnomAD compares: East Asian, 84%; 20,335 homozygotes.

Submissions (2):

Illumina Laboratory Services, Illumina
Classification: Benign for Arginine:glycine amidinotransferase deficiency. Last evaluated: 2018-01-12. Review status: criteria provided, single submitter. Criteria: ICSL Variant Classification Criteria 13 December 2019. Collection method: clinical testing. Allele origin: germline.
Comment: This variant was observed in the ICSL laboratory as part of a predisposition screen in an ostensibly healthy population. It had not been previously curated by ICSL or reported in the Human Gene Mutation Database (HGMD: prior to June 1st, 2018), and was therefore a candidate for classification through an automated scoring system. Utilizing variant allele frequency, disease prevalence and penetrance estimates, and inheritance mode, an automated score was calculated to assess if this variant is too frequent to cause the disease. Based on the score and internal cut-off values, a variant classified as benign is not then subjected to further curation. The score for this variant resulted in a classification of benign for this disease.

Breakthrough Genomics
Classification: Benign. Review status: criteria provided, single submitter. Criteria: ACMG Guidelines, 2015. Collection method: not provided. Allele origin: germline. Inheritance: Autosomal recessive inheritance. Affected: yes.